The following is an entry in ClinVar:

NM_001481.3(DRC4):c.1297G>A (p.Asp433Asn)

Gene: DRC4 (dynein regulatory complex subunit 4; plus strand). Cytogenetic location: 16q24.3.
Variant type: single nucleotide variant.
Coding change: c.1297G>A on transcript NM_001481.3 (MANE Select); coding-DNA position 1297, G replaced by A.
Protein change: p.Asp433Asn; replaces aspartic acid 433 with asparagine.
Molecular consequence: missense variant. On other transcripts: non-coding transcript variant (1).
Genome position (GRCh38, 1-based): chr16:90,043,205, G>A. VCF-style: chr16-90043205-G-A. GRCh37 (hg19) VCF-style: chr16-90109613-G-A.
Other names: c.1048G>A, p.Asp350Asn (NM_001286205.2); c.721G>A, p.Asp241Asn (NM_001286208.2); c.1222G>A, p.Asp408Asn (NM_001286209.2); short protein forms D433N, D408N, D241N, D350N.
Identifiers: ClinVar variation 475561 (VCV000475561.10), dbSNP rs150016330, ClinGen allele CA8258230.

ClinVar aggregate classification (germline): Uncertain significance. Review status: criteria provided, multiple submitters, no conflicts (2 of 4 stars). 4 submissions from 4 submitters: Uncertain significance (4). Last evaluated 2024-03-08.

Conditions:
Primary ciliary dyskinesia 33. Also called: CILIARY DYSKINESIA, PRIMARY, 33, WITHOUT SITUS INVERSUS. Identifiers: Orphanet 244, MedGen C4225230, MONDO:0014750, OMIM 616726.
Inborn genetic diseases. Identifiers: MedGen C0950123, MeSH D030342.

Allele frequency attached by ClinVar (database versions not stated): gnomAD 0.00007; gnomAD exomes 0.00008; TOPMed 0.00010; ExAC 0.00011; ESP Exome Variant Server 0.00023.
gnomAD v4.1: 96 of 1,611,962 alleles (0.006%); highest among the groups gnomAD compares: African/African-American, 0.017%; no homozygotes.

Submissions (4):

Ambry Genetics
Classification: Uncertain significance for Inborn genetic diseases. Last evaluated: 2024-03-08. Review status: criteria provided, single submitter. Criteria: Ambry Variant Classification Scheme 2023. Collection method: clinical testing. Allele origin: germline.

Blueprint Genetics
Classification: Uncertain significance. Last evaluated: 2023-11-23. Review status: criteria provided, single submitter. Criteria: ACMG Guidelines, 2015. Collection method: clinical testing. Allele origin: germline.

Fulgent Genetics
Classification: Uncertain significance for Primary ciliary dyskinesia 33. Last evaluated: 2021-09-03. Review status: criteria provided, single submitter. Criteria: ACMG Guidelines, 2015. Collection method: clinical testing. Allele origin: unknown.

Labcorp Genetics (formerly Invitae), Labcorp
Classification: Uncertain significance for Primary ciliary dyskinesia 33. Last evaluated: 2021-08-26. Review status: criteria provided, single submitter. Criteria: Invitae Variant Classification Sherloc (09022015). Collection method: clinical testing. Allele origin: germline.
Comment: This sequence change replaces aspartic acid with asparagine at codon 433 of the GAS8 protein (p.Asp433Asn). The aspartic acid residue is highly conserved and there is a small physicochemical difference between aspartic acid and asparagine. This variant is present in population databases (rs150016330, ExAC 0.02%). This variant has not been reported in the literature in individuals affected with GAS8-related conditions. Algorithms developed to predict the effect of missense changes on protein structure and function are either unavailable or do not agree on the potential impact of this missense change (SIFT: "Deleterious"; PolyPhen-2: "Possibly Damaging"; Align-GVGD: "Class C0"). In summary, the available evidence is currently insufficient to determine the role of this variant in disease. Therefore, it has been classified as a Variant of Uncertain Significance.